The following is an entry in ClinVar:

NM_000287.4(PEX6):c.2870G>A (p.Arg957Gln)

Gene: PEX6 (peroxisomal biogenesis factor 6; minus strand). Cytogenetic location: 6p21.1.
Variant type: single nucleotide variant.
Coding change: c.2870G>A on transcript NM_000287.4 (MANE Select); coding-DNA position 2870, G replaced by A.
Protein change: p.Arg957Gln; replaces arginine 957 with glutamine.
Molecular consequence: missense variant. On other transcripts: non-coding transcript variant (1).
Genome position (GRCh38, 1-based): chr6:42,964,408, C>T on the plus strand (G>A on the coding strand, the complement: PEX6 is on the minus strand). VCF-style: chr6-42964408-C-T. GRCh37 (hg19) VCF-style: chr6-42932146-C-T.
Other names: c.2870G>A (NM_000287.3); c.2606G>A, p.Arg869Gln (NM_001316313.2); short protein forms R957Q, R869Q.
Identifiers: ClinVar variation 1363664 (VCV001363664.4), dbSNP rs370201505, ClinGen allele CA3810879.

ClinVar aggregate classification (germline): Uncertain significance. Review status: criteria provided, multiple submitters, no conflicts (2 of 4 stars). 2 submissions from 2 submitters: Uncertain significance (2). Last evaluated 2024-04-17.

Conditions:
Inborn genetic diseases. Identifiers: MedGen C0950123, MeSH D030342.
Peroxisome biogenesis disorder. Identifiers: Orphanet 79189, MedGen C1832200, MONDO:0019234. Disease mechanism: loss of function.

Allele frequency attached by ClinVar (database versions not stated): gnomAD 0.00001; TOPMed 0.00001; gnomAD exomes 0.00002 and 0.00005; ExAC 0.00005; ESP Exome Variant Server 0.00008; 1000 Genomes Project 30x 0.00016; 1000 Genomes Project 0.00020.

Submissions (2):

Ambry Genetics
Classification: Uncertain significance for Inborn genetic diseases. Last evaluated: 2024-04-17. Review status: criteria provided, single submitter. Criteria: Ambry Variant Classification Scheme 2023. Collection method: clinical testing. Allele origin: germline.

Labcorp Genetics (formerly Invitae), Labcorp
Classification: Uncertain significance for Peroxisome biogenesis disorder. Last evaluated: 2022-10-14. Review status: criteria provided, single submitter. Criteria: Invitae Variant Classification Sherloc (09022015). Collection method: clinical testing. Allele origin: germline.
Comment: This sequence change replaces arginine, which is basic and polar, with glutamine, which is neutral and polar, at codon 957 of the PEX6 protein (p.Arg957Gln). This variant is present in population databases (rs370201505, gnomAD 0.005%). This variant has not been reported in the literature in individuals affected with PEX6-related conditions. ClinVar contains an entry for this variant (Variation ID: 1363664). Advanced modeling of protein sequence and biophysical properties (such as structural, functional, and spatial information, amino acid conservation, physicochemical variation, residue mobility, and thermodynamic stability) performed at Invitae indicates that this missense variant is not expected to disrupt PEX6 protein function. In summary, the available evidence is currently insufficient to determine the role of this variant in disease. Therefore, it has been classified as a Variant of Uncertain Significance.